The following is an entry in ClinVar:

NM_001127178.3(PIGG):c.1378A>C (p.Lys460Gln)

Gene: PIGG (phosphatidylinositol glycan anchor biosynthesis class G (EMM blood group); plus strand). Cytogenetic location: 4p16.3.
Variant type: single nucleotide variant.
Coding change: c.1378A>C on transcript NM_001127178.3 (MANE Select); coding-DNA position 1378, A replaced by C.
Protein change: p.Lys460Gln; replaces lysine 460 with glutamine.
Molecular consequence: missense variant. On other transcripts: 5 prime UTR variant (2), non-coding transcript variant (10).
Genome position (GRCh38, 1-based): chr4:521,705, A>C. VCF-style: chr4-521705-A-C. GRCh37 (hg19) VCF-style: chr4-515494-A-C.
Other names: c.1111A>C, p.Lys371Gln (NM_001289051.2, NM_001289053.2, NM_001345986.2); c.979A>C, p.Lys327Gln (NM_001289052.2); c.966A>C, p.Glu322Asp (NM_001289055.2); c.893A>C, p.Lys298Thr (NM_001289057.2); c.1087A>C, p.Lys363Gln (NM_001345987.2); c.349A>C, p.Lys117Gln (NM_001345988.2); c.1378A>C, p.Lys460Gln (NM_001345989.2); c.-156A>C (NM_001345990.2, NM_001345991.2); and 2 more; short protein forms K298T, K327Q, K363Q, K94Q, K117Q, K452Q, K460Q, E322D.
Identifiers: ClinVar variation 2067985 (VCV002067985.2), dbSNP rs779846680, ClinGen allele CA2793301.

ClinVar aggregate classification (germline): Uncertain significance (1 of 4 stars; one submission).

Conditions:
Intellectual disability, autosomal recessive 53 (NEDHSCA). Also called: NEURODEVELOPMENTAL DISORDER WITH OR WITHOUT HYPOTONIA, SEIZURES, AND CEREBELLAR ATROPHY; GLYCOSYLPHOSPHATIDYLINOSITOL BIOSYNTHESIS DEFECT 13; Mental retardation, autosomal recessive 53. Identifiers: Orphanet 488635, MedGen C4310794, MONDO:0014832, OMIM 616917.

Allele frequency attached by ClinVar (database versions not stated): ExAC 0.00003.
gnomAD v4.1: 14 of 1,614,136 alleles (0.00087%); highest among the groups gnomAD compares: South Asian, 0.013%; no homozygotes.

Submission:

Labcorp Genetics (formerly Invitae), Labcorp
Classification: Uncertain significance for Intellectual disability, autosomal recessive 53. Last evaluated: 2022-08-20. Review status: criteria provided, single submitter. Criteria: Invitae Variant Classification Sherloc (09022015). Collection method: clinical testing. Allele origin: germline.
Comment: In summary, the available evidence is currently insufficient to determine the role of this variant in disease. Therefore, it has been classified as a Variant of Uncertain Significance. Algorithms developed to predict the effect of missense changes on protein structure and function output the following: SIFT: "Tolerated"; PolyPhen-2: "Benign"; Align-GVGD: "Class C0". The glutamine amino acid residue is found in multiple mammalian species, which suggests that this missense change does not adversely affect protein function. This variant has not been reported in the literature in individuals affected with PIGG-related conditions. This variant is present in population databases (rs779846680, gnomAD 0.02%). This sequence change replaces lysine, which is basic and polar, with glutamine, which is neutral and polar, at codon 460 of the PIGG protein (p.Lys460Gln).